The following is an entry in ClinVar:

ClinVar aggregate classification (germline): Conflicting classifications of pathogenicity. Review status: criteria provided, conflicting classifications (1 of 4 stars). 3 submissions from 3 submitters: Uncertain significance (1); Likely benign (2). Last evaluated 2025-08-01.

Conditions:
Inborn genetic diseases. Identifiers: MedGen C0950123, MeSH D030342.

Allele frequency attached by ClinVar (database versions not stated): gnomAD 0.00003; ESP Exome Variant Server 0.00008; ExAC 0.00009.

Submissions (3):

CeGaT Center for Human Genetics Tuebingen
Classification: Likely benign. Last evaluated: 2025-08-01. Review status: criteria provided, single submitter. Criteria: CeGaT Center For Human Genetics Tuebingen Variant Classification Criteria Version 2. Collection method: clinical testing. Allele origin: germline. Affected: yes. Observed: 1 variant allele.
Comment: CNOT3: BP4, BS2

Labcorp Genetics (formerly Invitae), Labcorp
Classification: Uncertain significance. Last evaluated: 2025-03-29. Review status: criteria provided, single submitter. Criteria: Invitae Variant Classification Sherloc (09022015). Collection method: clinical testing. Allele origin: germline.
Comment: This sequence change replaces proline, which is neutral and non-polar, with leucine, which is neutral and non-polar, at codon 328 of the CNOT3 protein (p.Pro328Leu). The frequency data for this variant in the population databases is considered unreliable, as metrics indicate poor data quality at this position in the gnomAD database. This variant has not been reported in the literature in individuals affected with CNOT3-related conditions. ClinVar contains an entry for this variant (Variation ID: 2869322). An algorithm developed to predict the effect of missense changes on protein structure and function outputs the following: PolyPhen-2: "Benign". The leucine amino acid residue is found in multiple mammalian species, which suggests that this missense change does not adversely affect protein function. In summary, the available evidence is currently insufficient to determine the role of this variant in disease. Therefore, it has been classified as a Variant of Uncertain Significance.

Ambry Genetics
Classification: Likely benign for Inborn genetic diseases. Last evaluated: 2024-11-14. Review status: criteria provided, single submitter. Criteria: Ambry Variant Classification Scheme 2023. Collection method: clinical testing. Allele origin: germline.

NM_014516.4(CNOT3):c.983C>T (p.Pro328Leu)

Gene: CNOT3 (CCR4-NOT transcription complex subunit 3; plus strand). Cytogenetic location: 19q13.42.
Variant type: single nucleotide variant.
Coding change: c.983C>T on transcript NM_014516.4 (MANE Select); coding-DNA position 983, C replaced by T.
Protein change: p.Pro328Leu; replaces proline 328 with leucine.
Molecular consequence: missense variant.
Genome position (GRCh38, 1-based): chr19:54,148,236, C>T. VCF-style: chr19-54148236-C-T. GRCh37 (hg19) VCF-style: chr19-54651971-C-T.
Other names: c.983C>T (NM_014516.3); short protein forms P328L.
Identifiers: ClinVar variation 2869322 (VCV002869322.12), dbSNP rs372481652, ClinGen allele CA309339567.
Genomic context (GRCh38, chr19:54,148,236, plus strand): 5'-TCCACAGCAACCAGCACCCTCAGTCCCCAGCTGTGCCGCCCACCTACCCCTCCGGCCCCC[C>T]GCCTGCTGCCTCTGCCTTGAGCACCACTCCTGGCAACAATGGGGTCCCCGCCCCCGCAGC-3'
Protein context (NP_055331.1, residues 318-338): AVPPTYPSGP[Pro328Leu]PAASALSTTP